The following is an entry in ClinVar:

ClinVar aggregate classification (germline): Pathogenic. Review status: reviewed by expert panel (3 of 4 stars). 3 submissions from 3 submitters: Pathogenic (1). 2 of the submissions do not count toward it. Last evaluated 2022-04-08.

Conditions:
Maturity-onset diabetes of the young (MODY). Also called: Maturity onset diabetes mellitus in young. Identifiers: Orphanet 552, MedGen C0342276, MONDO:0018911, HP:0004904.
Monogenic diabetes. Identifiers: Orphanet 183625, MedGen C3888631, MONDO:0015967.

Allele frequency attached by ClinVar (database versions not stated): gnomAD exomes below 0.00001.
gnomAD v4.1: 1 of 1,614,244 alleles (0.000062%); highest among the groups gnomAD compares: Non-Finnish European, 0.000085%; no homozygotes.

Submissions (3):

ClinGen Monogenic Diabetes Variant Curation Expert Panel
Classification: Pathogenic for Monogenic diabetes. Last evaluated: 2022-04-08. Review status: reviewed by expert panel. Criteria: ClinGen Diabetes ACMG Specifications v1 1. Collection method: curation. Allele origin: germline. Inheritance: Autosomal dominant inheritance.
Comment: The c.434C>T variant in the HNF1 homeobox A gene, HNF1A, causes an amino acid change of serine to phenylalanine at codon 145 (p.(Ser145Phe)) of NM_000545.8. This variant was identified in six unrelated individuals with non- autoimmune and non-absolute/near-absolute insulin-deficient diabetes (PS4_Moderate; PMID: 28701371, internal lab contributors). This variant segregated with diabetes, with 4 informative meioses in 2 families with MODY (PP1_Strong; PMID: 28701371, internal lab contributors). This variant resides in an amino acid within the HNF1α DNA binding domain that directly binds DNA, which is defined as critical for the protein’s function by the ClinGen MDEP (PM1). This variant is absent from gnomAD v2.1.1 (PM2_Supporting). This variant is predicted to be deleterious by computational evidence, with a REVEL score of 0.989, which is greater than the MDEP threshold of 0.70 (PP3). Another missense variant, c.433T>C (p.(Ser145Pro)), has been classified as a VUS by the ClinGen MDEP; therefore, PM5 will not be applied. This variant was identified in at least six individuals with diabetes; however, the MODY probability is unable to be calculated due to lack of clinical information, and PP4 cannot be applied (PMID:28701371, internal lab contributors). In summary, c.434C>T meets the criteria to be classified as pathogenic for monogenic diabetes. ACMG/AMP criteria applied, as specified by the ClinGen MDEP (specification version 1.1, approved September 30, 2021): PP3, PM1, PM2_Supporting, PS4_Moderate, PP1_Strong.

Athena Diagnostics
Classification: Pathogenic. Last evaluated: 2022-11-30. Review status: criteria provided, single submitter. Criteria: Athena Diagnostics Criteria. Collection method: clinical testing. Allele origin: unknown. Not counted in ClinVar's aggregate classification.
Comment: This variant has been identified in multiple unrelated individuals with clinical features associated with this gene and appears to segregate with disease in at least one family (personal communication related to ClinVar ID 447489, lab code: 508240). This variant has not been reported in large, multi-ethnic general populations. The variant is located in a region that is considered important for protein function and/or structure. Computational tools predict that this variant is damaging.

Clinical Genomics, Uppaluri K&H Personalized Medicine Clinic
Classification: Likely risk allele for Maturity-onset diabetes of the young. Review status: criteria provided, single submitter. Criteria: K & H Uppaluri Personalized Medicine Clinic Variant Classification & Assertion Criteria_Updated V.1. Collection method: research. Allele origin: unknown. Inheritance: Autosomal dominant inheritance. Not counted in ClinVar's aggregate classification.
Comment: Mutations in HNF1A gene can predispose to MODY3. It is associated with both micro and macrovascular complications of diabetes, especially cardiovascular complications. Associated with glucosuria. May respond well to sulfonylureas. However, more evidence is required to confer the association of this particular variant rs1555211426 with MODY3.

Literature cited by the submitters: PubMed 16917892 (cited by Athena Diagnostics); PubMed 28701371 (cited by Athena Diagnostics); PubMed 31517624 (cited by Clinical Genomics, Uppaluri K&H Personalized Medicine Clinic); PubMed 32395877 (cited by Clinical Genomics, Uppaluri K&H Personalized Medicine Clinic); PubMed 35328643 (cited by Clinical Genomics, Uppaluri K&H Personalized Medicine Clinic); PubMed 35673428 (cited by Clinical Genomics, Uppaluri K&H Personalized Medicine Clinic).

NM_000545.8(HNF1A):c.434C>T (p.Ser145Phe)

Gene: HNF1A (HNF1 homeobox A; plus strand). Cytogenetic location: 12q24.31.
Variant type: single nucleotide variant.
Coding change: c.434C>T on transcript NM_000545.8 (MANE Select); coding-DNA position 434, C replaced by T.
Protein change: p.Ser145Phe; replaces serine 145 with phenylalanine.
Molecular consequence: missense variant.
Genome position (GRCh38, 1-based): chr12:120,988,940, C>T. VCF-style: chr12-120988940-C-T. GRCh37 (hg19) VCF-style: chr12-121426743-C-T.
Other names: NM_000545.8(HNF1A):c.434C>T; p.Ser145Phe; dbSNP: rs1555211426; c.434C>T, p.Ser145Phe (NM_001306179.2); short protein forms S145F.
Identifiers: ClinVar variation 447489 (VCV000447489.6), dbSNP rs1555211426, ClinGen allele CA386959990.